The following is an entry in ClinVar:

NM_001235.5(SERPINH1):c.1066G>A (p.Ala356Thr)

Gene: SERPINH1 (serpin family H member 1; plus strand). Cytogenetic location: 11q13.5.
Variant type: single nucleotide variant.
Coding change: c.1066G>A on transcript NM_001235.5 (MANE Select); coding-DNA position 1066, G replaced by A.
Protein change: p.Ala356Thr; replaces alanine 356 with threonine.
Molecular consequence: missense variant.
Genome position (GRCh38, 1-based): chr11:75,571,892, G>A. VCF-style: chr11-75571892-G-A. GRCh37 (hg19) VCF-style: chr11-75282937-G-A.
Other names: c.1066G>A, p.Ala356Thr (NM_001207014.3); short protein forms A356T.
Identifiers: ClinVar variation 1428607 (VCV001428607.5), dbSNP rs747912977, ClinGen allele CA6191009.

ClinVar aggregate classification (germline): Uncertain significance (1 of 4 stars; one submission).

Allele frequency attached by ClinVar (database versions not stated): gnomAD 0.00001; gnomAD exomes 0.00001; TOPMed 0.00001; ExAC 0.00002.
gnomAD v4.1: 15 of 1,614,100 alleles (0.00093%); highest among the groups gnomAD compares: African/African-American, 0.0027%; no homozygotes.

Submission:

Labcorp Genetics (formerly Invitae), Labcorp
Classification: Uncertain significance. Last evaluated: 2021-08-24. Review status: criteria provided, single submitter. Criteria: Invitae Variant Classification Sherloc (09022015). Collection method: clinical testing. Allele origin: germline.
Comment: This sequence change replaces alanine with threonine at codon 356 of the SERPINH1 protein (p.Ala356Thr). The alanine residue is highly conserved and there is a small physicochemical difference between alanine and threonine. This variant is present in population databases (rs747912977, ExAC 0.003%). This variant has not been reported in the literature in individuals affected with SERPINH1-related conditions. Advanced modeling of protein sequence and biophysical properties (such as structural, functional, and spatial information, amino acid conservation, physicochemical variation, residue mobility, and thermodynamic stability) performed at Invitae indicates that this missense variant is not expected to disrupt SERPINH1 protein function. In summary, the available evidence is currently insufficient to determine the role of this variant in disease. Therefore, it has been classified as a Variant of Uncertain Significance.